The following is an entry in ClinVar:

ClinVar aggregate classification (germline): Pathogenic/Likely pathogenic. Review status: criteria provided, multiple submitters, no conflicts (2 of 4 stars). 3 submissions from 3 submitters: Pathogenic (1); Likely pathogenic (2). Last evaluated 2023-11-06.

Conditions:
Mitochondrial DNA depletion syndrome 1. Also called: Mitochondrial Neurogastrointestinal Encephalopathy Disease; Mitochondrial neurogastrointestinal encephalomyopathy syndrome; MITOCHONDRIAL NEUROGASTROINTESTINAL ENCEPHALOPATHY SYNDROME, TYMP-RELATED; MNGIE, TYMP-RELATED; Mitochondrial DNA depletion syndrome 1 (MNGIE type); Mitochondrial DNA Depletion Syndrome, MNGIE Form. Identifiers: Orphanet 298, MedGen C4551995, MONDO:0011283, OMIM 603041.
TYMP-related disorder. Also called: TYMP-related condition.

Allele frequency attached by ClinVar (database versions not stated): gnomAD exomes below 0.00001.

Submissions (3):

Baylor Genetics
Classification: Likely pathogenic for Mitochondrial DNA depletion syndrome 1. Last evaluated: 2023-11-06. Review status: criteria provided, single submitter. Criteria: ACMG Guidelines, 2015. Collection method: clinical testing. Allele origin: unknown.

Blueprint Genetics
Classification: Likely pathogenic for TYMP-related disorders. Last evaluated: 2023-09-13. Review status: criteria provided, single submitter. Criteria: ACMG Guidelines, 2015. Collection method: clinical testing. Allele origin: germline. Affected: yes. Observed: 3 variant alleles.

Labcorp Genetics (formerly Invitae), Labcorp
Classification: Pathogenic. Last evaluated: 2021-12-07. Review status: criteria provided, single submitter. Criteria: Invitae Variant Classification Sherloc (09022015). Collection method: clinical testing. Allele origin: germline.
Comment: For these reasons, this variant has been classified as Pathogenic. Algorithms developed to predict the effect of sequence changes on RNA splicing suggest that this variant may create or strengthen a splice site. This variant has not been reported in the literature in individuals affected with TYMP-related conditions. This variant is not present in population databases (gnomAD no frequency). This sequence change creates a premature translational stop signal (p.Gln247*) in the TYMP gene. It is expected to result in an absent or disrupted protein product. Loss-of-function variants in TYMP are known to be pathogenic (PMID: 9924029, 15781193).

Literature cited by the submitters: PubMed 9924029 (cited by Labcorp Genetics (formerly Invitae), Labcorp); PubMed 15781193 (cited by Labcorp Genetics (formerly Invitae), Labcorp).

NM_001953.5(TYMP):c.739C>T (p.Gln247Ter)

Gene: TYMP (thymidine phosphorylase; minus strand). Cytogenetic location: 22q13.33.
Variant type: single nucleotide variant.
Coding change: c.739C>T on transcript NM_001953.5 (MANE Select); coding-DNA position 739, C replaced by T.
Protein change: p.Gln247Ter; replaces glutamine 247 with a stop codon.
Molecular consequence: nonsense.
Genome position (GRCh38, 1-based): chr22:50,527,191, G>A on the plus strand (C>T on the coding strand, the complement: TYMP is on the minus strand). VCF-style: chr22-50527191-G-A. GRCh37 (hg19) VCF-style: chr22-50965620-G-A.
Other names: c.739C>T, p.Gln247Ter (NM_001113755.3, NM_001113756.3, NM_001257988.1 and 1 more transcripts); short protein forms Q247*.
Identifiers: ClinVar variation 1965392 (VCV001965392.7), dbSNP rs767575537, ClinGen allele CA325561956.